The following is an entry in ClinVar:

ClinVar aggregate classification (germline): Likely benign. Review status: criteria provided, multiple submitters, no conflicts (2 of 4 stars). 3 submissions from 3 submitters: Likely benign (3). Last evaluated 2026-09-12.

Conditions:
CDH3-related disorder. Also called: CDH3-related condition.

Allele frequency attached by ClinVar (database versions not stated): gnomAD exomes 0.00003 and 0.00010; ExAC 0.00009; gnomAD 0.00027 and 0.00029; TOPMed 0.00029; 1000 Genomes Project 30x 0.00031; ESP Exome Variant Server 0.00038; 1000 Genomes Project 0.00040.
gnomAD v4.1: 107 of 1,614,178 alleles (0.0066%); highest among the groups gnomAD compares: African/African-American, 0.11%; 1 homozygote.

Submissions (3):

PreventionGenetics, part of Exact Sciences
Classification: Likely benign for CDH3-related condition. Last evaluated: 2026-09-12. Review status: criteria provided, single submitter. Criteria: ACMG Guidelines, 2015. Collection method: clinical testing. Allele origin: germline.
Comment: This variant is classified as likely benign based on ACMG/AMP sequence variant interpretation guidelines (Richards et al. 2015 PMID: 25741868, with internal and published modifications).

Labcorp Genetics (formerly Invitae), Labcorp
Classification: Likely benign. Last evaluated: 2025-10-09. Review status: criteria provided, single submitter. Criteria: Invitae Variant Classification Sherloc (09022015). Collection method: clinical testing. Allele origin: germline.

Blueprint Genetics
Classification: Likely benign. Last evaluated: 2021-11-16. Review status: criteria provided, single submitter. Criteria: ACMG Guidelines, 2015. Collection method: clinical testing. Allele origin: germline.

NM_001793.6(CDH3):c.1416A>G (p.Gln472=)

Gene: CDH3 (cadherin 3; plus strand). Cytogenetic location: 16q22.1.
Variant type: single nucleotide variant.
Coding change: c.1416A>G on transcript NM_001793.6 (MANE Select); coding-DNA position 1416, A replaced by G.
Protein change: p.Gln472=; no amino-acid change (glutamine 472 retained).
Molecular consequence: synonymous variant.
Genome position (GRCh38, 1-based): chr16:68,684,816, A>G. VCF-style: chr16-68684816-A-G. GRCh37 (hg19) VCF-style: chr16-68718719-A-G.
Other names: c.1416A>G, p.Gln472= (NM_001317195.3); c.1251A>G, p.Gln417= (NM_001317196.2); c.1416A>G (NM_001793.5).
Identifiers: ClinVar variation 1542819 (VCV001542819.10), dbSNP rs141499582, ClinGen allele CA8129345.